The following is an entry in ClinVar:

ClinVar aggregate classification (germline): Uncertain significance (1 of 4 stars; one submission).

Conditions:
Primary ciliary dyskinesia. Also called: Ciliary dyskinesia. Identifiers: Orphanet 244, MedGen C0008780, MONDO:0016575, HP:0012265.

Allele frequency attached by ClinVar (database versions not stated): TOPMed below 0.00001; gnomAD 0.00001.
gnomAD v4.1: 3 of 1,522,408 alleles (0.0002%); highest among the groups gnomAD compares: African/African-American, 0.0028%; no homozygotes.

Submission:

Labcorp Genetics (formerly Invitae), Labcorp
Classification: Uncertain significance for Primary ciliary dyskinesia. Last evaluated: 2020-08-06. Review status: criteria provided, single submitter. Criteria: Invitae Variant Classification Sherloc (09022015). Collection method: clinical testing. Allele origin: germline.
Comment: Algorithms developed to predict the effect of missense changes on protein structure and function output the following: SIFT: "Deleterious"; PolyPhen-2: "Benign"; Align-GVGD: "Class C0". The valine amino acid residue is found in multiple mammalian species, suggesting that this missense change does not adversely affect protein function. These predictions have not been confirmed by published functional studies and their clinical significance is uncertain. This variant has not been reported in the literature in individuals with DNAAF2-related conditions. The frequency data for this variant in the population databases is considered unreliable, as metrics indicate insufficient coverage at this position in the ExAC database. This sequence change replaces glycine with valine at codon 377 of the DNAAF2 protein (p.Gly377Val). The glycine residue is weakly conserved and there is a moderate physicochemical difference between glycine and valine. In summary, the available evidence is currently insufficient to determine the role of this variant in disease. Therefore, it has been classified as a Variant of Uncertain Significance.

NM_018139.3(DNAAF2):c.1130G>T (p.Gly377Val)

Genes: DNAAF2 (dynein axonemal assembly factor 2; minus strand), LOC130055542 (ATAC-STARR-seq lymphoblastoid silent region 5699; plus strand). Cytogenetic location: 14q21.3.
Variant type: single nucleotide variant.
Coding change: c.1130G>T on transcript NM_018139.3 (MANE Select); coding-DNA position 1130, G replaced by T.
Protein change: p.Gly377Val; replaces glycine 377 with valine.
Molecular consequence: missense variant.
Genome position (GRCh38, 1-based): chr14:49,634,020, C>A on the plus strand (G>T on the coding strand, the complement: DNAAF2 is on the minus strand). VCF-style: chr14-49634020-C-A. GRCh37 (hg19) VCF-style: chr14-50100738-C-A.
Other names: c.1130G>T, p.Gly377Val (NM_001083908.2); short protein forms G377V.
Identifiers: ClinVar variation 1043839 (VCV001043839.9), dbSNP rs1401045306, ClinGen allele CA389629386.